The following is an entry in ClinVar:

ClinVar aggregate classification (germline): Likely benign (1 of 4 stars; one submission).

Submission:

CeGaT Center for Human Genetics Tuebingen
Classification: Likely benign. Last evaluated: 2026-03-01. Review status: criteria provided, single submitter. Criteria: CeGaT Center For Human Genetics Tuebingen Variant Classification Criteria Version 2. Collection method: clinical testing. Allele origin: germline. Affected: yes. Observed: 1 variant allele.
Comment: MUC1: BP4, BP7

NM_002456.6(MUC1):c.159+159A>G

Gene: MUC1 (mucin 1, cell surface associated; minus strand). Cytogenetic location: 1q22.
Variant type: single nucleotide variant.
Coding change: c.159+159A>G on transcript NM_002456.6; 159 bases into the intron after coding-DNA position 159, A replaced by G.
Molecular consequence: intron variant. On other transcripts: synonymous variant (3).
Genome position (GRCh38, 1-based): chr1:155,192,024, T>C on the plus strand (A>G on the coding strand, the complement: MUC1 is on the minus strand). VCF-style: chr1-155192024-T-C. GRCh37 (hg19) VCF-style: chr1-155161815-T-C.
Other names: c.318A>G, p.Pro106= (NM_001204285.2); c.345A>G, p.Pro115= (NM_001204286.1, NM_001371720.2); c.186+159A>G (NM_001204291.1, NM_001204292.1, NM_001204295.1 and 7 more transcripts); c.123+159A>G (NM_001204290.2); c.159+159A>G (NM_001204294.2, NM_001044393.3, NM_001044390.3 and 3 more transcripts).
Identifiers: ClinVar variation 4821324 (VCV004821324.4).
Genomic context (GRCh38, chr1:155,192,024, plus strand): 5'-TGGCTTGTTGTCCGGGGCTGAGGTGACATCGTGGGCTGGCGGGGTGGTGGAGCCCAGGGC[T>C]GGCCTGGTGACTGGGACCGAGGTGACATCCTGTCCCCAGGTGGCAGCTGAACCTGAAGCT-3'